The following is an entry in ClinVar:

NM_014822.4(SEC24D):c.2465A>G (p.Lys822Arg)

Gene: SEC24D (SEC24 homolog D, COPII component; minus strand). Cytogenetic location: 4q26.
Variant type: single nucleotide variant.
Coding change: c.2465A>G on transcript NM_014822.4 (MANE Select); coding-DNA position 2465, A replaced by G.
Protein change: p.Lys822Arg; replaces lysine 822 with arginine.
Molecular consequence: missense variant.
Genome position (GRCh38, 1-based): chr4:118,738,292, T>C on the plus strand (A>G on the coding strand, the complement: SEC24D is on the minus strand). VCF-style: chr4-118738292-T-C. GRCh37 (hg19) VCF-style: chr4-119659447-T-C.
Other names: c.2468A>G, p.Lys823Arg (NM_001318066.2); short protein forms K822R, K823R.
Identifiers: ClinVar variation 1905711 (VCV001905711.5), dbSNP rs1275097496, ClinGen allele CA358005685.

ClinVar aggregate classification (germline): Uncertain significance (1 of 4 stars; one submission).

Allele frequency attached by ClinVar (database versions not stated): gnomAD exomes 0.00001.
gnomAD v4.1: 3 of 1,613,598 alleles (0.00019%); highest among the groups gnomAD compares: Admixed American, 0.005%; no homozygotes.

Submission:

Labcorp Genetics (formerly Invitae), Labcorp
Classification: Uncertain significance. Last evaluated: 2022-06-23. Review status: criteria provided, single submitter. Criteria: Invitae Variant Classification Sherloc (09022015). Collection method: clinical testing. Allele origin: germline.
Comment: This sequence change replaces lysine, which is basic and polar, with arginine, which is basic and polar, at codon 822 of the SEC24D protein (p.Lys822Arg). In summary, the available evidence is currently insufficient to determine the role of this variant in disease. Therefore, it has been classified as a Variant of Uncertain Significance. Algorithms developed to predict the effect of missense changes on protein structure and function are either unavailable or do not agree on the potential impact of this missense change (SIFT: "Not Available"; PolyPhen-2: "Probably Damaging"; Align-GVGD: "Not Available"). This variant has not been reported in the literature in individuals affected with SEC24D-related conditions. This variant is present in population databases (no rsID available, gnomAD 0.003%).